The following is an entry in ClinVar:

NM_000321.3(RB1):c.2213del (p.Thr738fs)

Gene: RB1 (RB transcriptional corepressor 1; plus strand). Cytogenetic location: 13q14.2.
Variant type: Deletion.
Coding change: c.2213del on transcript NM_000321.3 (MANE Select); coding-DNA position 2213, one base deleted (C; older notation c.2213delC).
Protein change: p.Thr738fs; shifts the reading frame from threonine 738.
Molecular consequence: frameshift variant.
Genome position (GRCh38, 1-based): chr13:48,464,999, C deleted. VCF-style (leftmost placement, unchanged base first): chr13-48464998-AC-A. GRCh37 (hg19) VCF-style: chr13-49039134-AC-A.
Other names: c.2213del, p.Thr738fs (NM_001407165.1); short protein forms T738fs.
Identifiers: ClinVar variation 3237078 (VCV003237078.1), dbSNP rs2542375110.

ClinVar aggregate classification (germline): Pathogenic (1 of 4 stars; one submission).

Conditions:
Retinoblastoma (RB1). Also called: RETINOBLASTOMA, SOMATIC. Identifiers: Orphanet 790, MedGen C0035335, MeSH D012175, MONDO:0008380, OMIM 180200, HP:0009919. Disease mechanism: loss of function. Inheritance: Both sporadic and heritable forms are tested..

Submission:

Genetic Diagnostic Laboratory, University of Pennsylvania School of Medicine
Classification: Pathogenic for Retinoblastoma. Last evaluated: 2024-05-20. Review status: criteria provided, single submitter. Criteria: ACMG Guidelines, 2015. Collection method: clinical testing. Allele origin: germline. Affected: yes. Observed: 2 variant alleles.
Comment: Case and Pedigree Information: BILATERAL CASES:2, UNILATERAL CASES:0, TOTAL CASES:2, PEDIGREES:1. ACMG Codes Applied:PVS1, PM2